The following is an entry in ClinVar:

NM_018297.4(NGLY1):c.409A>C (p.Thr137Pro)

Gene: NGLY1 (N-glycanase 1; minus strand). Cytogenetic location: 3p24.2.
Variant type: single nucleotide variant.
Coding change: c.409A>C on transcript NM_018297.4 (MANE Select); coding-DNA position 409, A replaced by C.
Protein change: p.Thr137Pro; replaces threonine 137 with proline.
Molecular consequence: missense variant.
Genome position (GRCh38, 1-based): chr3:25,764,149, T>G on the plus strand (A>C on the coding strand, the complement: NGLY1 is on the minus strand). VCF-style: chr3-25764149-T-G. GRCh37 (hg19) VCF-style: chr3-25805640-T-G.
Other names: c.409A>C, p.Thr137Pro (NM_001145293.2, NM_001145295.2); c.283A>C, p.Thr95Pro (NM_001145294.2); short protein forms T137P, T95P.
Identifiers: ClinVar variation 938807 (VCV000938807.7), dbSNP rs372479316, ClinGen allele CA351908862.

ClinVar aggregate classification (germline): Uncertain significance (1 of 4 stars; one submission).

Conditions:
Congenital disorder of deglycosylation (CDDG). Identifiers: MedGen C3808991, MONDO:0031376.

gnomAD v4.1: 3 of 1,614,196 alleles (0.00019%); highest among the groups gnomAD compares: Non-Finnish European, 0.00025%; no homozygotes.

Submission:

Labcorp Genetics (formerly Invitae), Labcorp
Classification: Uncertain significance for Congenital disorder of deglycosylation. Last evaluated: 2022-01-13. Review status: criteria provided, single submitter. Criteria: Invitae Variant Classification Sherloc (09022015). Collection method: clinical testing. Allele origin: germline.
Comment: This variant is not present in population databases (gnomAD no frequency). Algorithms developed to predict the effect of missense changes on protein structure and function output the following: SIFT: "Tolerated"; PolyPhen-2: "Benign"; Align-GVGD: "Class C0". The proline amino acid residue is found in multiple mammalian species, which suggests that this missense change does not adversely affect protein function. ClinVar contains an entry for this variant (Variation ID: 938807). This variant has not been reported in the literature in individuals affected with NGLY1-related conditions. This sequence change replaces threonine, which is neutral and polar, with proline, which is neutral and non-polar, at codon 137 of the NGLY1 protein (p.Thr137Pro). In summary, the available evidence is currently insufficient to determine the role of this variant in disease. Therefore, it has been classified as a Variant of Uncertain Significance.